The following is an entry in ClinVar:

ClinVar aggregate classification (germline): Likely benign. Review status: criteria provided, single submitter (1 of 4 stars). 2 submissions from 2 submitters: Likely benign (1). 1 of the submissions does not count toward it. Last evaluated 2023-10-22.

Conditions:
SAMD9-related disorder. Also called: SAMD9-related condition.

gnomAD v4.1: 1 of 1,614,000 alleles (0.000062%); highest among the groups gnomAD compares: Non-Finnish European, 0.000085%; no homozygotes.

Submissions (2):

Labcorp Genetics (formerly Invitae), Labcorp
Classification: Likely benign. Last evaluated: 2023-10-22. Review status: criteria provided, single submitter. Criteria: Invitae Variant Classification Sherloc (09022015). Collection method: clinical testing. Allele origin: germline.

PreventionGenetics, part of Exact Sciences
Classification: Likely benign for SAMD9-related condition. Last evaluated: 2022-03-17. Review status: no assertion criteria provided. Collection method: clinical testing. Allele origin: germline. Not counted in ClinVar's aggregate classification.
Comment: This variant is classified as likely benign based on ACMG/AMP sequence variant interpretation guidelines (Richards et al. 2015 PMID: 25741868, with internal and published modifications).

NM_017654.4(SAMD9):c.2034A>G (p.Ser678=)

Gene: SAMD9 (sterile alpha motif domain containing 9; minus strand). Cytogenetic location: 7q21.2.
Variant type: single nucleotide variant.
Coding change: c.2034A>G on transcript NM_017654.4 (MANE Select); coding-DNA position 2034, A replaced by G.
Protein change: p.Ser678=; no amino-acid change (serine 678 retained).
Molecular consequence: synonymous variant.
Genome position (GRCh38, 1-based): chr7:93,104,064, T>C on the plus strand (A>G on the coding strand, the complement: SAMD9 is on the minus strand). VCF-style: chr7-93104064-T-C. GRCh37 (hg19) VCF-style: chr7-92733377-T-C.
Other names: c.2034A>G (NM_017654.3); c.2034A>G, p.Ser678= (NM_001193307.2).
Identifiers: ClinVar variation 2843486 (VCV002843486.5), dbSNP rs2535359303, ClinGen allele CA456626317.
Genomic context (GRCh38, chr7:93,104,064, plus strand): 5'-AGAAGAGAAGTAGAAGTTCCACCATGACACTTTGCCACCTCGATAGAAGTCTTCCTCTTT[T>C]GATGCCTTGAATTCAAGGAATTTATTTTTGTCCTTCTCTAACAGTGTACCCTCACATTCA-3'
Protein context (NP_060124.2, residues 668-688): DKNKFLEFKA[Ser678=]KEEDFYRGGK